The following is an entry in ClinVar:

NM_001330260.2(SCN8A):c.207C>T (p.Tyr69=)

Genes: SCN8A (sodium voltage-gated channel alpha subunit 8; plus strand), LOC114803470 (SCN8A eExon liver enhancer; plus strand). Cytogenetic location: 12q13.13.
Variant type: single nucleotide variant.
Coding change: c.207C>T on transcript NM_001330260.2 (MANE Select); coding-DNA position 207, C replaced by T.
Protein change: p.Tyr69=; no amino-acid change (tyrosine 69 retained).
Molecular consequence: synonymous variant.
Genome position (GRCh38, 1-based): chr12:51,663,024, C>T. VCF-style: chr12-51663024-C-T. GRCh37 (hg19) VCF-style: chr12-52056808-C-T.
Other names: c.207C>T, p.Tyr69= (NM_001177984.3, NM_001369788.1, NM_014191.4).
Identifiers: ClinVar variation 413880 (VCV000413880.19), dbSNP rs532501146, ClinGen allele CA6571010.

ClinVar aggregate classification (germline): Benign/Likely benign. Review status: criteria provided, multiple submitters, no conflicts (2 of 4 stars). 4 submissions from 4 submitters: Benign (1); Likely benign (3). Last evaluated 2026-02-02.

Conditions:
Early-infantile DEE. Also called: Early infantile epileptic encephalopathy with suppression bursts; Early infantile epileptic encephalopathy; Ohtahara syndrome. Identifiers: Orphanet 1934, MedGen C0393706, MONDO:0800491.

Allele frequency attached by ClinVar (database versions not stated): ExAC 0.00002; gnomAD exomes 0.00006 and 0.00012; gnomAD 0.00007 and 0.00008; TOPMed 0.00008.
gnomAD v4.1: 183 of 1,613,914 alleles (0.011%); highest among the groups gnomAD compares: Non-Finnish European, 0.014%; 2 homozygotes.

Submissions (4):

Labcorp Genetics (formerly Invitae), Labcorp
Classification: Likely benign for Early-infantile DEE. Last evaluated: 2026-02-02. Review status: criteria provided, single submitter. Criteria: Invitae Variant Classification Sherloc (09022015). Collection method: clinical testing. Allele origin: germline.

CeGaT Center for Human Genetics Tuebingen
Classification: Likely benign. Last evaluated: 2026-02-01. Review status: criteria provided, single submitter. Criteria: CeGaT Center For Human Genetics Tuebingen Variant Classification Criteria Version 2. Collection method: clinical testing. Allele origin: germline. Affected: yes. Observed: 1 variant allele.
Comment: SCN8A: BP4, BP7

Blueprint Genetics
Classification: Likely benign. Last evaluated: 2024-04-12. Review status: criteria provided, single submitter. Criteria: ACMG Guidelines, 2015. Collection method: clinical testing. Allele origin: germline.

GeneDx
Classification: Benign. Last evaluated: 2015-09-03. Review status: criteria provided, single submitter. Criteria: GeneDx Variant Classification Process June 2021. Collection method: clinical testing. Allele origin: germline. Affected: yes.